The following is an entry in ClinVar:

ClinVar aggregate classification (germline): Uncertain significance. Review status: criteria provided, multiple submitters, no conflicts (2 of 4 stars). 2 submissions from 2 submitters: Uncertain significance (2). Last evaluated 2025-08-26.

Conditions:
DICER1-related tumor predisposition. Also called: DICER1 syndrome; DICER1-related pleuropulmonary blastoma cancer predisposition syndrome. Identifiers: Orphanet 284343, MedGen C3839822, MONDO:0100216.
Hereditary cancer-predisposing syndrome. Also called: Neoplastic Syndromes, Hereditary; Hereditary Cancer Syndrome; Tumor predisposition; Hereditary neoplastic syndrome. Identifiers: Orphanet 140162, MedGen C0027672, MeSH D009386, MONDO:0015356.

Submissions (2):

Ambry Genetics
Classification: Uncertain significance for Hereditary cancer-predisposing syndrome. Last evaluated: 2025-08-26. Review status: criteria provided, single submitter. Criteria: Ambry Variant Classification Scheme 2023. Collection method: clinical testing. Allele origin: germline.
Comment: The p.D926N variant (also known as c.2776G>A), located in coding exon 16 of the DICER1 gene, results from a G to A substitution at nucleotide position 2776. The aspartic acid at codon 926 is replaced by asparagine, an amino acid with highly similar properties. This amino acid position is highly conserved in available vertebrate species. In addition, this alteration is predicted to be tolerated by in silico analysis. Based on the available evidence, the clinical significance of this variant remains unclear.

Labcorp Genetics (formerly Invitae), Labcorp
Classification: Uncertain significance for DICER1-related tumor predisposition. Last evaluated: 2018-05-30. Review status: criteria provided, single submitter. Criteria: Invitae Variant Classification Sherloc (09022015). Collection method: clinical testing. Allele origin: germline.
Comment: This sequence change replaces aspartic acid with asparagine at codon 926 of the DICER1 protein (p.Asp926Asn). The aspartic acid residue is highly conserved and there is a small physicochemical difference between aspartic acid and asparagine. This variant is not present in population databases (ExAC no frequency). This variant has not been reported in the literature in individuals with DICER1-related disease. Algorithms developed to predict the effect of missense changes on protein structure and function are either unavailable or do not agree on the potential impact of this missense change (SIFT: "Tolerated"; PolyPhen-2: "Probably Damaging"; Align-GVGD: "Class C0"). In summary, the available evidence is currently insufficient to determine the role of this variant in disease. Therefore, it has been classified as a Variant of Uncertain Significance.

NM_177438.3(DICER1):c.2776G>A (p.Asp926Asn)

Gene: DICER1 (dicer 1, ribonuclease III; minus strand). Cytogenetic location: 14q32.13.
Variant type: single nucleotide variant.
Coding change: c.2776G>A on transcript NM_177438.3 (MANE Select); coding-DNA position 2776, G replaced by A.
Protein change: p.Asp926Asn; replaces aspartic acid 926 with asparagine.
Molecular consequence: missense variant.
Genome position (GRCh38, 1-based): chr14:95,107,636, C>T on the plus strand (G>A on the coding strand, the complement: DICER1 is on the minus strand). VCF-style: chr14-95107636-C-T. GRCh37 (hg19) VCF-style: chr14-95573973-C-T.
Other names: c.2776G>A, p.Asp926Asn (NM_001195573.1, NM_001271282.3, NM_001291628.2 and 1 more transcripts); short protein forms D926N.
Identifiers: ClinVar variation 583394 (VCV000583394.11), dbSNP rs1060503645, ClinGen allele CA390879462.